The following is an entry in ClinVar:

ClinVar aggregate classification (germline): Uncertain significance (1 of 4 stars; one submission).

Conditions:
Hereditary cancer-predisposing syndrome. Also called: Neoplastic Syndromes, Hereditary; Tumor predisposition; Hereditary neoplastic syndrome; Hereditary Cancer Syndrome. Identifiers: Orphanet 140162, MedGen C0027672, MeSH D009386, MONDO:0015356.

Submission:

Ambry Genetics
Classification: Uncertain significance for Hereditary cancer-predisposing syndrome. Last evaluated: 2026-07-07. Review status: criteria provided, single submitter. Criteria: Ambry Variant Classification Scheme 2023. Collection method: clinical testing. Allele origin: germline.
Comment: The p.L704V variant (also known as c.2110C>G), located in coding exon 5 of the PALB2 gene, results from a C to G substitution at nucleotide position 2110. The leucine at codon 704 is replaced by valine, an amino acid with highly similar properties. This amino acid position is conserved. In addition, this alteration is predicted to be tolerated by in silico analysis. Based on the available evidence, the clinical significance of this variant remains unclear.

NM_024675.4(PALB2):c.2110C>G (p.Leu704Val)

Gene: PALB2 (partner and localizer of BRCA2; minus strand). Cytogenetic location: 16p12.2.
Variant type: single nucleotide variant.
Coding change: c.2110C>G on transcript NM_024675.4 (MANE Select); coding-DNA position 2110, C replaced by G.
Protein change: p.Leu704Val; replaces leucine 704 with valine.
Molecular consequence: missense variant. On other transcripts: intron variant (1).
Genome position (GRCh38, 1-based): chr16:23,630,044, G>C on the plus strand (C>G on the coding strand, the complement: PALB2 is on the minus strand). VCF-style: chr16-23630044-G-C. GRCh37 (hg19) VCF-style: chr16-23641365-G-C.
Other names: c.2050C>G, p.Leu684Val (NM_001407296.1); c.2110C>G, p.Leu704Val (NM_001407297.1, NM_001407298.1, NM_001407299.1 and 3 more transcripts); c.1225C>G, p.Leu409Val (NM_001407304.1, NM_001407305.1, NM_001407306.1 and 5 more transcripts); c.322C>G, p.Leu108Val (NM_001407312.1, NM_001407313.1); c.49-769C>G (NM_001407314.1); short protein forms L684V, L704V, L108V, L409V.
Identifiers: ClinVar variation 5026168 (VCV005026168.1).